The following is an entry in ClinVar:

NM_001130965.3(SUN1):c.1127G>A (p.Cys376Tyr)

Gene: SUN1 (Sad1 and UNC84 domain containing 1; plus strand). Cytogenetic location: 7p22.3.
Variant type: single nucleotide variant.
Coding change: c.1127G>A on transcript NM_001130965.3 (MANE Select); coding-DNA position 1127, G replaced by A.
Protein change: p.Cys376Tyr; replaces cysteine 376 with tyrosine.
Molecular consequence: missense variant. On other transcripts: non-coding transcript variant (3).
Genome position (GRCh38, 1-based): chr7:853,482, G>A. VCF-style: chr7-853482-G-A. GRCh37 (hg19) VCF-style: chr7-893119-G-A.
Other names: c.818G>A, p.Cys273Tyr (NM_001171944.2); c.1127G>A, p.Cys376Tyr (NM_001367633.1, NM_001367634.1, NM_001367672.1 and 1 more transcripts); c.776G>A, p.Cys259Tyr (NM_001367635.1); c.1367G>A, p.Cys456Tyr (NM_001367636.1, NM_001367691.1); c.1235G>A, p.Cys412Tyr (NM_001367638.1); c.668G>A, p.Cys223Tyr (NM_001367639.1); c.1307G>A, p.Cys436Tyr (NM_001367640.1); c.1409G>A, p.Cys470Tyr (NM_001367641.1, NM_001367682.1); and 38 more; short protein forms C223Y, C326Y, C330Y, C391Y, C403Y, C420Y, C442Y, C478Y.
Identifiers: ClinVar variation 2153267 (VCV002153267.4), dbSNP rs1003340969, ClinGen allele CA152352640.

ClinVar aggregate classification (germline): Uncertain significance (1 of 4 stars; one submission).

Conditions:
Emery-Dreifuss muscular dystrophy (EDMD). Also called: Scapuloperoneal syndrome, X-linked (formerly); Humeroperoneal neuromuscular disease, (formerly). Identifiers: Orphanet 261, MedGen C0410189, MONDO:0016830.

Allele frequency attached by ClinVar (database versions not stated): gnomAD exomes 0.00001.
gnomAD v4.1: 6 of 1,614,002 alleles (0.00037%); highest among the groups gnomAD compares: Admixed American, 0.0067%; no homozygotes.

Submission:

Labcorp Genetics (formerly Invitae), Labcorp
Classification: Uncertain significance for Emery-Dreifuss muscular dystrophy. Last evaluated: 2022-04-10. Review status: criteria provided, single submitter. Criteria: Invitae Variant Classification Sherloc (09022015). Collection method: clinical testing. Allele origin: germline.
Comment: This variant has not been reported in the literature in individuals affected with SUN1-related conditions. This variant is not present in population databases (gnomAD no frequency). This sequence change replaces cysteine, which is neutral and slightly polar, with tyrosine, which is neutral and polar, at codon 376 of the SUN1 protein (p.Cys376Tyr). In summary, the available evidence is currently insufficient to determine the role of this variant in disease. Therefore, it has been classified as a Variant of Uncertain Significance. Algorithms developed to predict the effect of missense changes on protein structure and function (SIFT, PolyPhen-2, Align-GVGD) all suggest that this variant is likely to be tolerated.